The following is an entry in ClinVar:

NM_004484.4(GPC3):c.1410C>G (p.Asn470Lys)

Gene: GPC3 (glypican 3; minus strand). Cytogenetic location: Xq26.2.
Variant type: single nucleotide variant.
Coding change: c.1410C>G on transcript NM_004484.4 (MANE Select); coding-DNA position 1410, C replaced by G.
Protein change: p.Asn470Lys; replaces asparagine 470 with lysine.
Molecular consequence: missense variant.
Genome position (GRCh38, 1-based): chrX:133,661,733, G>C on the plus strand (C>G on the coding strand, the complement: GPC3 is on the minus strand). VCF-style: chrX-133661733-G-C. GRCh37 (hg19) VCF-style: chrX-132795761-G-C.
Other names: c.1479C>G, p.Asn493Lys (NM_001164617.2); c.1362C>G, p.Asn454Lys (NM_001164618.2); c.1248C>G, p.Asn416Lys (NM_001164619.2); short protein forms N416K, N454K, N470K, N493K.
Identifiers: ClinVar variation 1947802 (VCV001947802.6), dbSNP rs1176444823, ClinGen allele CA414704270.

ClinVar aggregate classification (germline): Uncertain significance. Review status: criteria provided, multiple submitters, no conflicts (2 of 4 stars). 2 submissions from 2 submitters: Uncertain significance (2). Last evaluated 2024-05-12.

Conditions:
Wilms tumor 1 (WT1). Also called: Wilms tumor, somatic. Identifiers: Orphanet 654, MedGen CN033288, MONDO:0008679, OMIM 194070.
Simpson-Golabi-Behmel syndrome type 1 (SGBS1). Also called: GPC3-Related Simpson-Golabi-Behmel Syndrome Type 1; GOLABI-ROSEN SYNDROME; SIMPSON DYSMORPHIA SYNDROME; BULLDOG SYNDROME; DYSPLASIA GIGANTISM SYNDROME, X-LINKED. Identifiers: Orphanet 373, MedGen C0796154, MONDO:0020602, OMIM 312870.

gnomAD v4.1: 5 of 1,140,899 alleles (0.00044%); highest among the groups gnomAD compares: South Asian, 0.0091%; no homozygotes.

Submissions (2):

Fulgent Genetics
Classification: Uncertain significance for Wilms tumor 1; Simpson-Golabi-Behmel syndrome type 1. Last evaluated: 2024-05-12. Review status: criteria provided, single submitter. Criteria: ACMG Guidelines, 2015. Collection method: clinical testing. Allele origin: germline.

Labcorp Genetics (formerly Invitae), Labcorp
Classification: Uncertain significance for Wilms tumor 1. Last evaluated: 2022-06-16. Review status: criteria provided, single submitter. Criteria: Invitae Variant Classification Sherloc (09022015). Collection method: clinical testing. Allele origin: germline.
Comment: This variant has not been reported in the literature in individuals affected with GPC3-related conditions. This sequence change replaces asparagine, which is neutral and polar, with lysine, which is basic and polar, at codon 470 of the GPC3 protein (p.Asn470Lys). This variant is present in population databases (no rsID available, gnomAD 0.02%), including at least one homozygous and/or hemizygous individual. Algorithms developed to predict the effect of missense changes on protein structure and function are either unavailable or do not agree on the potential impact of this missense change (SIFT: "Tolerated"; PolyPhen-2: "Possibly Damaging"; Align-GVGD: "Class C0"). In summary, the available evidence is currently insufficient to determine the role of this variant in disease. Therefore, it has been classified as a Variant of Uncertain Significance.